The following is an entry in ClinVar:

NM_001009944.3(PKD1):c.7077G>C (p.Arg2359=)

Gene: PKD1 (polycystin 1, transient receptor potential channel interacting; minus strand). Cytogenetic location: 16p13.3.
Variant type: single nucleotide variant.
Coding change: c.7077G>C on transcript NM_001009944.3 (MANE Select); coding-DNA position 7077, G replaced by C.
Protein change: p.Arg2359=; no amino-acid change (arginine 2359 retained).
Molecular consequence: synonymous variant.
Genome position (GRCh38, 1-based): chr16:2,106,937, C>G on the plus strand (G>C on the coding strand, the complement: PKD1 is on the minus strand). VCF-style: chr16-2106937-C-G. GRCh37 (hg19) VCF-style: chr16-2156938-C-G.
Other names: p.Arg2359=; c.7077G>C, p.Arg2359= (NM_000296.4).
Identifiers: ClinVar variation 256996 (VCV000256996.23), dbSNP rs4018162, ClinGen allele CA7831292.

ClinVar aggregate classification (germline): Benign/Likely benign. Review status: criteria provided, multiple submitters, no conflicts (2 of 4 stars). 10 submissions from 10 submitters: Benign (6); Likely benign (2). 2 of the submissions do not count toward it. Last evaluated 2025-04-25.

Conditions:
PKD1-related disorder. Also called: PKD1-related condition.
Polycystic kidney disease, adult type (PKD1). Also called: Polycystic Kidney, Autosomal Dominant; Polycystic Kidney Disease 1, Autosomal Dominant; Polycystic kidney disease 1; Polycystic kidney disease 1, severe; POLYCYSTIC KIDNEY DISEASE 1 WITH OR WITHOUT POLYCYSTIC LIVER DISEASE; POLYCYSTIC KIDNEY DISEASE, ADULT, TYPE I. Identifiers: MedGen C3149841, MONDO:0008263, OMIM 173900.
Polycystic kidney disease. Also called: Polycystic kidney dysplasia; Kidney, Polycystic. Identifiers: MedGen C0022680, MeSH D007690, MONDO:0020642, HP:0000113.

Allele frequency attached by ClinVar (database versions not stated): gnomAD exomes 0.00155 and 0.00446; ExAC 0.00295; gnomAD 0.01764 and 0.01868; 1000 Genomes Project 0.02117; 1000 Genomes Project 30x 0.02561.
gnomAD v4.1: 4,966 of 1,583,042 alleles (0.31%); highest among the groups gnomAD compares: African/African-American, 4.9%; 115 homozygotes.

Submissions (10):

Women's Health and Genetics/Laboratory Corporation of America, LabCorp
Classification: Benign. Last evaluated: 2025-04-25. Review status: criteria provided, single submitter. Criteria: LabCorp Variant Classification Summary - May 2015. Collection method: clinical testing. Allele origin: germline.

Blueprint Genetics
Classification: Benign. Last evaluated: 2024-11-27. Review status: criteria provided, single submitter. Criteria: ACMG Guidelines, 2015. Collection method: clinical testing. Allele origin: germline.

Mayo Clinic Laboratories, Mayo Clinic
Classification: Benign. Last evaluated: 2023-04-19. Review status: criteria provided, single submitter. Criteria: ACMG Guidelines, 2015. Collection method: clinical testing. Allele origin: germline. Observed: 22 variant alleles.
Comment: BA1, BS2, BP4, BP7

Fulgent Genetics
Classification: Benign for Polycystic kidney disease, adult type. Last evaluated: 2022-04-30. Review status: criteria provided, single submitter. Criteria: ACMG Guidelines, 2015. Collection method: clinical testing. Allele origin: unknown.

GeneDx
Classification: Likely benign. Last evaluated: 2021-05-06. Review status: criteria provided, single submitter. Criteria: GeneDx Variant Classification Process June 2021. Collection method: clinical testing. Allele origin: germline. Affected: yes.
Comment: This variant is associated with the following publications: (PMID: 17574468)

ARUP Laboratories, Molecular Genetics and Genomics, ARUP Laboratories
Classification: Benign for Polycystic kidney disease, adult type. Last evaluated: 2020-01-28. Review status: criteria provided, single submitter. Criteria: ARUP Molecular Germline Variant Investigation Process. Collection method: clinical testing. Allele origin: germline.

Athena Diagnostics
Classification: Benign. Last evaluated: 2017-09-21. Review status: criteria provided, single submitter. Criteria: Athena Diagnostics Criteria. Collection method: clinical testing. Allele origin: germline.

Breakthrough Genomics
Classification: Likely benign. Review status: criteria provided, single submitter. Criteria: ACMG Guidelines, 2015. Collection method: not provided. Allele origin: germline. Inheritance: Autosomal dominant inheritance. Affected: yes.

PreventionGenetics, part of Exact Sciences
Classification: Benign for PKD1-related condition. Last evaluated: 2019-10-15. Review status: no assertion criteria provided. Collection method: clinical testing. Allele origin: germline. Not counted in ClinVar's aggregate classification.
Comment: This variant is classified as benign based on ACMG/AMP sequence variant interpretation guidelines (Richards et al. 2015 PMID: 25741868, with internal and published modifications).

Department of Pathology and Laboratory Medicine, Sinai Health System
Classification: Likely benign for Polycystic Kidney disease. Review status: no assertion criteria provided. Collection method: clinical testing. Allele origin: unknown. Affected: yes. Study: The Canadian Open Genetics Repository (COGR). Not counted in ClinVar's aggregate classification.
Comment: The PKD1 p.Arg2359= variant was identified in 3 of 164 proband chromosomes (frequency: 0.018) from individuals or families with ADPKD and was not identified in 342 control chromosomes from healthy individuals (Garcia-Gonzalez, 2007). The variant was also identified in dbSNP (ID: rs4018162) as â€šÃ„ÃºWith Benign alleleâ€šÃ„Ã¹, Clinvitae and ClinVar (as benign by PreventionGenetics) and ADPKD Mutation Database (as likely benign). This variant was identified in the 1000 Genomes Project in 106 of 5008 chromosomes (frequency: 0.021), the genome Aggregation Database (beta, October 19th 2016) in 950 (19 homozygous) of 222394 chromosomes (freq. 0.0042), the Exome Aggregation Consortium database (August 8th 2016) in 253 of 85618 chromosomes (freq. 0.003) in the following populations: African in 91 of 4854 chromosomes (freq. 0.018), South Asian in 84 of 13972 chromosomes (freq. 0.006), East Asian in 25 of 6664 chromosomes (freq. 0.0037), Latino in 22 of 8658 chromosomes (freq. 0.0025), European in 30 of 47220 chromosomes (freq. 0.0006), and Finnish in 1 of 3634 chromosomes (freq. 0.000275), but was not seen in other populations, increasing the likelihood this could be a low frequency benign variant. In addition we cannot be certain that data from control databases is specific to PKD1 and not from one of the six PKD1 pseudogenes. This variant was not identified in GeneInsight COGR, MutDB, PKD1-LOVD, PKD1-LOVD 3.0, and the NHLBI GO Exome Sequencing Project databases. The p.Arg2359= variant is not expected to have clinical significance because it does not result in a change of amino acid and is not located in a known consensus splice site. The variant occurs outside of the splicing consensus sequence and 3 of 5 in silico or computational prediction software programs (SpliceSiteFinder, MaxEntScan, NNSPLICE, GeneSplicer, HumanSpliceFinder) predict a greater than 10% difference in splicing. However, this information is not predictive enough to assume pathogenicity. In summary, based on the above information, the clinical significance of this variant cannot be determined with certainty at this time although we would lean towards a more benign role for this variant. This variant is classified as likely benign.

Literature cited by the submitters: PubMed 27499327 (cited by Mayo Clinic Laboratories, Mayo Clinic); PubMed 17574468 (cited by Athena Diagnostics).